The following is an entry in ClinVar:

NM_173543.3(DZIP1L):c.1720C>T (p.Arg574Cys)

Gene: DZIP1L (DAZ interacting zinc finger protein 1 like; minus strand). Cytogenetic location: 3q22.3.
Variant type: single nucleotide variant.
Coding change: c.1720C>T on transcript NM_173543.3 (MANE Select); coding-DNA position 1720, C replaced by T.
Protein change: p.Arg574Cys; replaces arginine 574 with cysteine.
Molecular consequence: missense variant.
Genome position (GRCh38, 1-based): chr3:138,068,263, G>A on the plus strand (C>T on the coding strand, the complement: DZIP1L is on the minus strand). VCF-style: chr3-138068263-G-A. GRCh37 (hg19) VCF-style: chr3-137787105-G-A.
Other names: c.1720C>T (NM_173543.2); short protein forms R574C.
Identifiers: ClinVar variation 1912861 (VCV001912861.3), dbSNP rs775832526, ClinGen allele CA2634826.

ClinVar aggregate classification (germline): Uncertain significance. Review status: criteria provided, multiple submitters, no conflicts (2 of 4 stars). 2 submissions from 2 submitters: Uncertain significance (2). Last evaluated 2025-01-27.

Conditions:
Inborn genetic diseases. Identifiers: MedGen C0950123, MeSH D030342.

Allele frequency attached by ClinVar (database versions not stated): TOPMed 0.00001; ExAC 0.00003.
gnomAD v4.1: 24 of 1,598,410 alleles (0.0015%); highest among the groups gnomAD compares: Admixed American, 0.0052%; no homozygotes.

Submissions (2):

Ambry Genetics
Classification: Uncertain significance for Inborn genetic diseases. Last evaluated: 2025-01-27. Review status: criteria provided, single submitter. Criteria: Ambry Variant Classification Scheme 2023. Collection method: clinical testing. Allele origin: germline.

Labcorp Genetics (formerly Invitae), Labcorp
Classification: Uncertain significance. Last evaluated: 2022-08-21. Review status: criteria provided, single submitter. Criteria: Invitae Variant Classification Sherloc (09022015). Collection method: clinical testing. Allele origin: germline.
Comment: This sequence change replaces arginine, which is basic and polar, with cysteine, which is neutral and slightly polar, at codon 574 of the DZIP1L protein (p.Arg574Cys). This variant is present in population databases (rs775832526, gnomAD 0.03%). This variant has not been reported in the literature in individuals affected with DZIP1L-related conditions. Algorithms developed to predict the effect of missense changes on protein structure and function are either unavailable or do not agree on the potential impact of this missense change (SIFT: "Deleterious"; PolyPhen-2: "Benign"; Align-GVGD: "Class C15"). In summary, the available evidence is currently insufficient to determine the role of this variant in disease. Therefore, it has been classified as a Variant of Uncertain Significance.